The following is an entry in ClinVar:

ClinVar aggregate classification (germline): Pathogenic (1 of 4 stars; one submission).

Conditions:
Cerebral cavernous malformation 3. Also called: Familial Cerebral Cavernous Malformation 3. Identifiers: Orphanet 221061, MedGen C1864040, MONDO:0011305, OMIM 603285.

Submission:

Labcorp Genetics (formerly Invitae), Labcorp
Classification: Pathogenic for Cerebral cavernous malformation 3. Last evaluated: 2020-12-27. Review status: criteria provided, single submitter. Criteria: Invitae Variant Classification Sherloc (09022015). Collection method: clinical testing. Allele origin: germline.
Comment: This sequence change creates a premature translational stop signal (p.Arg45*) in the PDCD10 gene. It is expected to result in an absent or disrupted protein product. Loss-of-function variants in PDCD10 are known to be pathogenic (PMID: 15543491, 18300272, 23801932). This variant is not present in population databases (ExAC no frequency). This variant has not been reported in the literature in individuals with PDCD10-related conditions. For these reasons, this variant has been classified as Pathogenic.

Literature cited by the submitters: PubMed 15543491; PubMed 18300272; PubMed 23801932.

NM_007217.4(PDCD10):c.131_132insTT (p.Leu44_Arg45insTer)

Gene: PDCD10 (programmed cell death 10; minus strand). Cytogenetic location: 3q26.1.
Variant type: Insertion.
Coding change: c.131_132insTT on transcript NM_007217.4 (MANE Select); coding-DNA positions 131 to 132, TT inserted.
Protein change: p.Leu44_Arg45insTer.
Molecular consequence: frameshift variant.
Genome position: GRCh38 VCF-style: chr3-167704860-C-CAA. GRCh37 (hg19) VCF-style: chr3-167422648-C-CAA.
Other names: c.131_132insTT, p.Leu44_Arg45insTer (NM_145859.2, NM_145860.2).
Identifiers: ClinVar variation 1379108 (VCV001379108.6), dbSNP rs2108438340, ClinGen allele CA2573136729.